The following is an entry in ClinVar:

NM_001080.3(ALDH5A1):c.609+5G>T

Gene: ALDH5A1 (aldehyde dehydrogenase 5 family member A1; plus strand). Cytogenetic location: 6p22.3.
Variant type: single nucleotide variant.
Coding change: c.609+5G>T on transcript NM_001080.3 (MANE Select); 5 bases into the intron after coding-DNA position 609, G replaced by T.
Molecular consequence: intron variant.
Genome position (GRCh38, 1-based): chr6:24,503,438, G>T. VCF-style: chr6-24503438-G-T. GRCh37 (hg19) VCF-style: chr6-24503666-G-T.
Other names: c.609+5G>T (NM_001368954.1, NM_170740.1).
Identifiers: ClinVar variation 1035646 (VCV001035646.4), dbSNP rs376633237, ClinGen allele CA136127839.

ClinVar aggregate classification (germline): Uncertain significance (1 of 4 stars; one submission).

Conditions:
Succinate-semialdehyde dehydrogenase deficiency (SSADHD). Also called: GABA METABOLIC DEFECT; SSADH DEFICIENCY; 4-HYDROXYBUTYRIC ACIDURIA; Succinic Semialdehyde Dehydrogenase Deficiency. Identifiers: Orphanet 22, MedGen C0268631, MONDO:0010083, OMIM 271980.

Allele frequency attached by ClinVar (database versions not stated): gnomAD 0.00001; gnomAD exomes 0.00001; TOPMed 0.00001; ESP Exome Variant Server 0.00008.

Submission:

Labcorp Genetics (formerly Invitae), Labcorp
Classification: Uncertain significance for Succinate-semialdehyde dehydrogenase deficiency. Last evaluated: 2020-09-10. Review status: criteria provided, single submitter. Criteria: Invitae Variant Classification Sherloc (09022015). Collection method: clinical testing. Allele origin: germline.
Comment: In summary, the available evidence is currently insufficient to determine the role of this variant in disease. Therefore, it has been classified as a Variant of Uncertain Significance. Nucleotide substitutions within the consensus splice site are a relatively common cause of aberrant splicing (PMID: 17576681, 9536098). Algorithms developed to predict the effect of sequence changes on RNA splicing suggest that this variant may disrupt the consensus splice site, but this prediction has not been confirmed by published transcriptional studies. This variant has not been reported in the literature in individuals with ALDH5A1-related conditions. This variant is not present in population databases (ExAC no frequency). This sequence change falls in intron 3 of the ALDH5A1 gene. It does not directly change the encoded amino acid sequence of the ALDH5A1 protein, but it affects a nucleotide within the consensus splice site of the intron.

Literature cited by the submitters: PubMed 17576681; PubMed 9536098.